The following is an entry in ClinVar:

ClinVar aggregate classification (germline): Uncertain significance (1 of 4 stars; one submission).

Allele frequency attached by ClinVar (database versions not stated): gnomAD exomes 0.00001; ExAC 0.00002.

Submission:

Labcorp Genetics (formerly Invitae), Labcorp
Classification: Uncertain significance. Last evaluated: 2021-01-12. Review status: criteria provided, single submitter. Criteria: Invitae Variant Classification Sherloc (09022015). Collection method: clinical testing. Allele origin: germline.
Comment: This sequence change replaces glycine with glutamic acid at codon 241 of the GRM6 protein (p.Gly241Glu). The glycine residue is highly conserved and there is a moderate physicochemical difference between glycine and glutamic acid. This variant is present in population databases (rs763074561, ExAC 0.03%). This variant has not been reported in the literature in individuals with GRM6-related conditions. Algorithms developed to predict the effect of missense changes on protein structure and function (SIFT, PolyPhen-2, Align-GVGD) all suggest that this variant is likely to be disruptive, but these predictions have not been confirmed by published functional studies and their clinical significance is uncertain. Algorithms developed to predict the effect of sequence changes on RNA splicing suggest that this variant may disrupt the consensus splice site, but this prediction has not been confirmed by published transcriptional studies. In summary, the available evidence is currently insufficient to determine the role of this variant in disease. Therefore, it has been classified as a Variant of Uncertain Significance.

NM_000843.4(GRM6):c.722G>A (p.Gly241Glu)

Gene: GRM6 (glutamate metabotropic receptor 6; minus strand). Cytogenetic location: 5q35.3.
Variant type: single nucleotide variant.
Coding change: c.722G>A on transcript NM_000843.4 (MANE Select); coding-DNA position 722, G replaced by A.
Protein change: p.Gly241Glu; replaces glycine 241 with glutamic acid.
Molecular consequence: missense variant.
Genome position (GRCh38, 1-based): chr5:178,991,559, C>T on the plus strand (G>A on the coding strand, the complement: GRM6 is on the minus strand). VCF-style: chr5-178991559-C-T. GRCh37 (hg19) VCF-style: chr5-178418560-C-T.
Other names: short protein forms G241E.
Identifiers: ClinVar variation 1501907 (VCV001501907.8), dbSNP rs763074561, ClinGen allele CA3594367.